The following is an entry in ClinVar:

ClinVar aggregate classification (germline): Uncertain significance (1 of 4 stars; one submission).

gnomAD v4.1: 7 of 1,613,840 alleles (0.00043%); highest among the groups gnomAD compares: South Asian, 0.0011%; no homozygotes.

Submission:

Labcorp Genetics (formerly Invitae), Labcorp
Classification: Uncertain significance. Last evaluated: 2024-12-07. Review status: criteria provided, single submitter. Criteria: Invitae Variant Classification Sherloc (09022015). Collection method: clinical testing. Allele origin: germline.
Comment: This sequence change replaces valine, which is neutral and non-polar, with methionine, which is neutral and non-polar, at codon 478 of the TRIM8 protein (p.Val478Met). This variant is present in population databases (no rsID available, gnomAD no frequency). This variant has not been reported in the literature in individuals affected with TRIM8-related conditions. An algorithm developed to predict the effect of missense changes on protein structure and function (PolyPhen-2) suggests that this variant is likely to be disruptive. In summary, the available evidence is currently insufficient to determine the role of this variant in disease. Therefore, it has been classified as a Variant of Uncertain Significance.

NM_030912.3(TRIM8):c.1432G>A (p.Val478Met)

Gene: TRIM8 (tripartite motif containing 8; plus strand). Cytogenetic location: 10q24.32.
Variant type: single nucleotide variant.
Coding change: c.1432G>A on transcript NM_030912.3 (MANE Select); coding-DNA position 1432, G replaced by A.
Protein change: p.Val478Met; replaces valine 478 with methionine.
Molecular consequence: missense variant. On other transcripts: non-coding transcript variant (1).
Genome position (GRCh38, 1-based): chr10:102,657,130, G>A. VCF-style: chr10-102657130-G-A. GRCh37 (hg19) VCF-style: chr10-104416887-G-A.
Other names: c.1336G>A, p.Val446Met (NM_001345950.1); short protein forms V446M, V478M.
Identifiers: ClinVar variation 3606964 (VCV003606964.2).